The following is an entry in ClinVar:

NM_006767.4(LZTR1):c.785A>T (p.Asp262Val)

Gene: LZTR1 (leucine zipper like post translational regulator 1; plus strand). Cytogenetic location: 22q11.21.
Variant type: single nucleotide variant.
Coding change: c.785A>T on transcript NM_006767.4 (MANE Select); coding-DNA position 785, A replaced by T.
Protein change: p.Asp262Val; replaces aspartic acid 262 with valine.
Molecular consequence: missense variant.
Genome position (GRCh38, 1-based): chr22:20,990,519, A>T. VCF-style: chr22-20990519-A-T. GRCh37 (hg19) VCF-style: chr22-21344808-A-T.
Other names: short protein forms D262V.
Identifiers: ClinVar variation 4859415 (VCV004859415.1).

ClinVar aggregate classification (germline): Uncertain significance (1 of 4 stars; one submission).

Conditions:
Cardiovascular phenotype. Identifiers: MedGen CN230736.
Hereditary cancer-predisposing syndrome. Also called: Neoplastic Syndromes, Hereditary; Tumor predisposition; Hereditary Cancer Syndrome; Hereditary neoplastic syndrome. Identifiers: Orphanet 140162, MedGen C0027672, MeSH D009386, MONDO:0015356.

Submission:

Ambry Genetics
Classification: Uncertain significance for Cardiovascular phenotype; Hereditary cancer-predisposing syndrome. Last evaluated: 2026-05-21. Review status: criteria provided, single submitter. Criteria: Ambry Variant Classification Scheme 2023. Collection method: clinical testing. Allele origin: germline.
Comment: The p.D262V variant (also known as c.785A>T), located in coding exon 8 of the LZTR1 gene, results from an A to T substitution at nucleotide position 785. The aspartic acid at codon 262 is replaced by valine, an amino acid with highly dissimilar properties. This amino acid position is conserved. In addition, this alteration is predicted to be tolerated by in silico analysis. Based on the available evidence, the clinical significance of this variant remains unclear.